The following is an entry in ClinVar:

ClinVar aggregate classification (germline): Uncertain significance (1 of 4 stars; one submission).

Conditions:
Inborn genetic diseases. Identifiers: MedGen C0950123, MeSH D030342.

Submission:

Ambry Genetics
Classification: Uncertain significance for Inborn genetic diseases. Last evaluated: 2026-03-22. Review status: criteria provided, single submitter. Criteria: Ambry Variant Classification Scheme 2023. Collection method: clinical testing. Allele origin: germline.
Comment: The p.L187R variant (also known as c.560T>G), located in coding exon 2 of the FANCM gene, results from a T to G substitution at nucleotide position 560. The leucine at codon 187 is replaced by arginine, an amino acid with dissimilar properties. This amino acid position is conserved. In addition, the in silico prediction for this alteration is inconclusive. Based on the available evidence, the clinical significance of this variant remains unclear.

NM_020937.4(FANCM):c.560T>G (p.Leu187Arg)

Gene: FANCM (FA complementation group M; plus strand). Cytogenetic location: 14q21.2.
Variant type: single nucleotide variant.
Coding change: c.560T>G on transcript NM_020937.4 (MANE Select); coding-DNA position 560, T replaced by G.
Protein change: p.Leu187Arg; replaces leucine 187 with arginine.
Molecular consequence: missense variant.
Genome position (GRCh38, 1-based): chr14:45,137,120, T>G. VCF-style: chr14-45137120-T-G. GRCh37 (hg19) VCF-style: chr14-45606323-T-G.
Other names: c.560T>G, p.Leu187Arg (NM_001308133.2, NM_001308134.2); short protein forms L187R.
Identifiers: ClinVar variation 4871039 (VCV004871039.1).